The following is an entry in ClinVar:

NM_001297.5(CNGB1):c.1035-6A>G

Gene: CNGB1 (cyclic nucleotide gated channel subunit beta 1; minus strand). Cytogenetic location: 16q21.
Variant type: single nucleotide variant.
Coding change: c.1035-6A>G on transcript NM_001297.5 (MANE Select); 6 bases into the intron before coding-DNA position 1035, A replaced by G.
Molecular consequence: intron variant.
Genome position (GRCh38, 1-based): chr16:57,949,445, T>C on the plus strand (A>G on the coding strand, the complement: CNGB1 is on the minus strand). VCF-style: chr16-57949445-T-C. GRCh37 (hg19) VCF-style: chr16-57983349-T-C.
Other names: c.1017-6A>G (NM_001286130.2).
Identifiers: ClinVar variation 3774596 (VCV003774596.2).
Genomic context (GRCh38, chr16:57,949,445, plus strand): 5'-CTCTTCCTCTTCCTCCTCCTCATCTTCTTTCTCCTCTTCAATCCGGGACAGCTCTCTGAG[T>C]TGGGGTTAGAGGCAGGAGGTGAGCCCACCCGAAGCTGCCCCGCTGAGTCTACCTCCTGCC-3'

ClinVar aggregate classification (germline): Likely pathogenic (1 of 4 stars; one submission).

Conditions:
Retinitis pigmentosa 45 (RP45). Identifiers: Orphanet 791, MedGen C3151066, MONDO:0013413, OMIM 613767.

Submission:

Genomics, Clalit Research Institute, Clalit Health Care
Classification: Likely pathogenic for Retinitis pigmentosa 45. Last evaluated: 2025-03-11. Review status: criteria provided, single submitter. Criteria: ACMG Guidelines, 2015. Collection method: clinical testing. Allele origin: germline. Inheritance: Autosomal recessive inheritance. Affected: yes. Observed: 1 compound heterozygote.
Comment: Inheritance: The variant was identified in the Heterozygous state in the sample. Suspected compound with another pathogenic variant. (pm3_support) | Frequency: The variant is absent from the gnomAD reference population dataset. (pm2_support) | Segregation: The variant is segregated with disease in 2 homozygote siblings in a gene definitively known to cause disease (Emek Medical Center). (pp1_moderate) | Prediction tools: Splicing tools predict a deleterious effect on the gene or gene product (splice AI = 0.99). (pp3) | Phenotype: The gene-disease connection fits the phenotype of the patient, with no other genetic diagnosis. (pp4) | Clinical evidence: To date, the variant has not been described by reputable sources or in the primary literature. | In summary, we classify the variant as likely pathogenic. pm2_support, pm3_support, pp1_moderate, pp3, pp4 = LP